The following is an entry in ClinVar:

NM_173598.6(KSR2):c.426C>T (p.Ala142=)

Gene: KSR2 (kinase suppressor of ras 2; minus strand). Cytogenetic location: 12q24.23.
Variant type: single nucleotide variant.
Coding change: c.426C>T on transcript NM_173598.6 (MANE Select); coding-DNA position 426, C replaced by T.
Protein change: p.Ala142=; no amino-acid change (alanine 142 retained).
Molecular consequence: synonymous variant.
Genome position (GRCh38, 1-based): chr12:117,855,474, G>A on the plus strand (C>T on the coding strand, the complement: KSR2 is on the minus strand). VCF-style: chr12-117855474-G-A. GRCh37 (hg19) VCF-style: chr12-118293279-G-A.
Identifiers: ClinVar variation 3356862 (VCV003356862.1).

ClinVar aggregate classification (germline): Likely benign (0 of 4 stars; one submission).

Conditions:
KSR2-related disorder. Also called: KSR2-related condition.

gnomAD v4.1: 2 of 1,613,904 alleles (0.00012%); highest among the groups gnomAD compares: Admixed American, 0.0033%; no homozygotes.

Submission:

PreventionGenetics, part of Exact Sciences
Classification: Likely benign for KSR2-related condition. Last evaluated: 2023-06-21. Review status: no assertion criteria provided. Collection method: clinical testing. Allele origin: germline.
Comment: This variant is classified as likely benign based on ACMG/AMP sequence variant interpretation guidelines (Richards et al. 2015 PMID: 25741868, with internal and published modifications).